The following is an entry in ClinVar:

NM_017755.6(NSUN2):c.2194G>A (p.Val732Met)

Gene: NSUN2 (NOP2/Sun RNA methyltransferase 2; minus strand). Cytogenetic location: 5p15.31.
Variant type: single nucleotide variant.
Coding change: c.2194G>A on transcript NM_017755.6 (MANE Select); coding-DNA position 2194, G replaced by A.
Protein change: p.Val732Met; replaces valine 732 with methionine.
Molecular consequence: missense variant. On other transcripts: non-coding transcript variant (1).
Genome position (GRCh38, 1-based): chr5:6,600,036, C>T on the plus strand (G>A on the coding strand, the complement: NSUN2 is on the minus strand). VCF-style: chr5-6600036-C-T. GRCh37 (hg19) VCF-style: chr5-6600149-C-T.
Other names: c.2089G>A, p.Val697Met (NM_001193455.2); short protein forms V697M, V732M.
Identifiers: ClinVar variation 1787466 (VCV001787466.8), dbSNP rs143551642, ClinGen allele CA3192153.

ClinVar aggregate classification (germline): Conflicting classifications of pathogenicity. Review status: criteria provided, conflicting classifications (1 of 4 stars). 5 submissions from 5 submitters: Uncertain significance (3); Likely benign (1). 1 of the submissions does not count toward it. Last evaluated 2024-11-20.

Conditions:
Inborn genetic diseases. Identifiers: MedGen C0950123, MeSH D030342.
NSUN2-related disorder. Also called: NSUN2-related condition.

Allele frequency attached by ClinVar (database versions not stated): 1000 Genomes Project 30x 0.00016; 1000 Genomes Project 0.00020; gnomAD 0.00029; ExAC 0.00030; gnomAD exomes 0.00030; TOPMed 0.00031; ESP Exome Variant Server 0.00046.
gnomAD v4.1: 487 of 1,614,236 alleles (0.03%); highest among the groups gnomAD compares: South Asian, 0.085%; no homozygotes.

Submissions (5):

GeneDx
Classification: Uncertain significance. Last evaluated: 2024-11-20. Review status: criteria provided, single submitter. Criteria: GeneDx Variant Classification Process June 2021. Collection method: clinical testing. Allele origin: germline. Affected: yes.
Comment: In silico analysis indicates that this missense variant does not alter protein structure/function; Has not been previously published as pathogenic or benign to our knowledge

Blueprint Genetics
Classification: Likely benign. Last evaluated: 2024-09-25. Review status: criteria provided, single submitter. Criteria: ACMG Guidelines, 2015. Collection method: clinical testing. Allele origin: germline.

Labcorp Genetics (formerly Invitae), Labcorp
Classification: Uncertain significance. Last evaluated: 2022-08-07. Review status: criteria provided, single submitter. Criteria: Invitae Variant Classification Sherloc (09022015). Collection method: clinical testing. Allele origin: germline.
Comment: This sequence change replaces valine, which is neutral and non-polar, with methionine, which is neutral and non-polar, at codon 732 of the NSUN2 protein (p.Val732Met). This variant is present in population databases (rs143551642, gnomAD 0.07%). This variant has not been reported in the literature in individuals affected with NSUN2-related conditions. Algorithms developed to predict the effect of missense changes on protein structure and function output the following: SIFT: "Tolerated"; PolyPhen-2: "Benign"; Align-GVGD: "Class C0". The methionine amino acid residue is found in multiple mammalian species, which suggests that this missense change does not adversely affect protein function. In summary, the available evidence is currently insufficient to determine the role of this variant in disease. Therefore, it has been classified as a Variant of Uncertain Significance.

Ambry Genetics
Classification: Uncertain significance for Inborn genetic diseases. Last evaluated: 2018-03-20. Review status: criteria provided, single submitter. Criteria: Ambry Variant Classification Scheme 2023. Collection method: clinical testing. Allele origin: germline.
Comment: The p.V732M variant (also known as c.2194G>A), located in coding exon 19 of the NSUN2 gene, results from a G to A substitution at nucleotide position 2194. The valine at codon 732 is replaced by methionine, an amino acid with highly similar properties. This amino acid position is not well conserved in available vertebrate species, and methionine is the reference amino acid in other vertebrate species. In addition, this alteration is predicted to be tolerated by in silico analysis. Since supporting evidence is limited at this time, the clinical significance of this alteration remains unclear.

PreventionGenetics, part of Exact Sciences
Classification: Benign for NSUN2-related condition. Last evaluated: 2019-03-14. Review status: no assertion criteria provided. Collection method: clinical testing. Allele origin: germline. Not counted in ClinVar's aggregate classification.
Comment: This variant is classified as benign based on ACMG/AMP sequence variant interpretation guidelines (Richards et al. 2015 PMID: 25741868, with internal and published modifications).